The following is an entry in ClinVar:

ClinVar aggregate classification (germline): Likely benign. Review status: criteria provided, multiple submitters, no conflicts (2 of 4 stars). 3 submissions from 3 submitters: Likely benign (3). Last evaluated 2024-02-22.

Conditions:
Cardiac arrhythmia. Also called: Arrhythmia; Cardiac rhythm disease. Identifiers: MedGen C0003811, MONDO:0007263, HP:0011675.
Long QT syndrome (LQTS). Identifiers: MedGen C0023976, MeSH D008133, MONDO:0002442. Disease mechanism: loss of function. Inheritance: Various modes of inheritance.

Allele frequency attached by ClinVar (database versions not stated): gnomAD exomes below 0.00001; ExAC 0.00001; gnomAD 0.00001; TOPMed 0.00002.
gnomAD v4.1: 4 of 1,613,172 alleles (0.00025%); highest among the groups gnomAD compares: Non-Finnish European, 0.00034%; no homozygotes.

Submissions (3):

All of Us Research Program, National Institutes of Health
Classification: Likely benign for Long QT syndrome. Last evaluated: 2024-02-22. Review status: criteria provided, single submitter. Criteria: ACMG Guidelines, 2015. Collection method: clinical testing. Allele origin: germline. Inheritance: Autosomal dominant inheritance. Observed: 2 variant alleles, 2 heterozygotes.
Comment: This study involves interpretation of variants in research participants for the purpose of population health screening. Participant phenotype was not available at the time of variant classification. Additional details can be found in publication PMID: 35346344, PMCID: PMC8962531

Labcorp Genetics (formerly Invitae), Labcorp
Classification: Likely benign for Long QT syndrome. Last evaluated: 2021-12-02. Review status: criteria provided, single submitter. Criteria: Invitae Variant Classification Sherloc (09022015). Collection method: clinical testing. Allele origin: germline.

Color Diagnostics, LLC DBA Color Health
Classification: Likely benign for Arrhythmia. Last evaluated: 2019-06-18. Review status: criteria provided, single submitter. Criteria: ACMG Guidelines, 2015. Collection method: clinical testing. Allele origin: germline.

NM_000218.3(KCNQ1):c.1257G>A (p.Lys419=)

Gene: KCNQ1 (potassium voltage-gated channel subfamily Q member 1; plus strand). Cytogenetic location: 11p15.5.
Variant type: single nucleotide variant.
Coding change: c.1257G>A on transcript NM_000218.3 (MANE Select); coding-DNA position 1257, G replaced by A.
Protein change: p.Lys419=; no amino-acid change (lysine 419 retained).
Molecular consequence: synonymous variant.
Genome position (GRCh38, 1-based): chr11:2,588,718, G>A. VCF-style: chr11-2588718-G-A. GRCh37 (hg19) VCF-style: chr11-2609948-G-A.
Other names: c.1161G>A, p.Lys387= (NM_001406836.1); c.987G>A, p.Lys329= (NM_001406837.1); c.717G>A, p.Lys239= (NM_001406838.1); c.876G>A, p.Lys292= (NM_181798.2).
Identifiers: ClinVar variation 924028 (VCV000924028.14), dbSNP rs759955554, ClinGen allele CA5822086.
Genomic context (GRCh38, chr11:2,588,718, plus strand): 5'-AGGGCCTGGCAGACGATGTCCAGGAACCGCTAATCTGTTGTCTTGTTTTTTTTAGGTAAA[G>A]AAAAAAAAGTTCAAGCTGGACAAAGACAATGGGGTGACTCCTGGAGAGAAGATGCTCACA-3'
Protein context (NP_000209.2, residues 409-429): SPKPKKSVVV[Lys419=]KKKFKLDKDN